The following is an entry in ClinVar:

NM_025137.4(SPG11):c.6484C>A (p.Leu2162Ile)

Gene: SPG11 (SPG11 vesicle trafficking associated, spatacsin; minus strand). Cytogenetic location: 15q21.1.
Variant type: single nucleotide variant.
Coding change: c.6484C>A on transcript NM_025137.4 (MANE Select); coding-DNA position 6484, C replaced by A.
Protein change: p.Leu2162Ile; replaces leucine 2162 with isoleucine.
Molecular consequence: missense variant.
Genome position (GRCh38, 1-based): chr15:44,569,499, G>T on the plus strand (C>A on the coding strand, the complement: SPG11 is on the minus strand). VCF-style: chr15-44569499-G-T. GRCh37 (hg19) VCF-style: chr15-44861697-G-T.
Other names: c.6145C>A, p.Leu2049Ile (NM_001160227.2); short protein forms L2049I, L2162I.
Identifiers: ClinVar variation 1406113 (VCV001406113.5), dbSNP rs770769595, ClinGen allele CA7534100.

ClinVar aggregate classification (germline): Uncertain significance (1 of 4 stars; one submission).

Conditions:
Hereditary spastic paraplegia 11. Also called: Nakamura Osame syndrome; Autosomal recessive hereditary spastic paraplegia, mental impairment, and thin corpus callosum; Spastic Paraplegia 11; SPASTIC PARAPLEGIA, AUTOSOMAL RECESSIVE, COMPLICATED, WITH THIN CORPUS CALLOSUM; SPASTIC PARAPLEGIA, AUTOSOMAL RECESSIVE, WITH MENTAL IMPAIRMENT AND THIN CORPUS CALLOSUM; Spastic paraplegia, mental retardation and thin corpus callosum. Identifiers: Orphanet 2822, MedGen C1858479, MONDO:0011445, OMIM 604360.

Allele frequency attached by ClinVar (database versions not stated): gnomAD 0.00001; TOPMed 0.00001; ExAC 0.00002.
gnomAD v4.1: 4 of 1,587,656 alleles (0.00025%); highest among the groups gnomAD compares: African/African-American, 0.0013%; no homozygotes.

Submission:

Labcorp Genetics (formerly Invitae), Labcorp
Classification: Uncertain significance for Hereditary spastic paraplegia 11. Last evaluated: 2022-07-12. Review status: criteria provided, single submitter. Criteria: Invitae Variant Classification Sherloc (09022015). Collection method: clinical testing. Allele origin: germline.
Comment: This sequence change replaces leucine, which is neutral and non-polar, with isoleucine, which is neutral and non-polar, at codon 2162 of the SPG11 protein (p.Leu2162Ile). The frequency data for this variant in the population databases is considered unreliable, as metrics indicate poor data quality at this position in the gnomAD database. This variant has not been reported in the literature in individuals affected with SPG11-related conditions. ClinVar contains an entry for this variant (Variation ID: 1406113). Algorithms developed to predict the effect of missense changes on protein structure and function are either unavailable or do not agree on the potential impact of this missense change (SIFT: "Tolerated"; PolyPhen-2: "Possibly Damaging"; Align-GVGD: "Class C0"). In summary, the available evidence is currently insufficient to determine the role of this variant in disease. Therefore, it has been classified as a Variant of Uncertain Significance.